The following is an entry in ClinVar:

NM_000179.3(MSH6):c.1532G>C (p.Arg511Thr)

Gene: MSH6 (mutS homolog 6; plus strand). Cytogenetic location: 2p16.3.
Variant type: single nucleotide variant.
Coding change: c.1532G>C on transcript NM_000179.3 (MANE Select); coding-DNA position 1532, G replaced by C.
Protein change: p.Arg511Thr; replaces arginine 511 with threonine.
Molecular consequence: missense variant. On other transcripts: non-coding transcript variant (4), intron variant (1).
Genome position (GRCh38, 1-based): chr2:47,799,515, G>C. VCF-style: chr2-47799515-G-C. GRCh37 (hg19) VCF-style: chr2-48026654-G-C.
Other names: c.1142G>C, p.Arg381Thr (NM_001281492.2); c.626G>C, p.Arg209Thr (NM_001281493.2, NM_001281494.2, NM_001406811.1 and 6 more transcripts); c.1628G>C, p.Arg543Thr (NM_001406795.1, NM_001406802.1); c.1532G>C, p.Arg511Thr (NM_001406796.1, NM_001406798.1, NM_001406800.1 and 4 more transcripts); c.1235G>C, p.Arg412Thr (NM_001406797.1, NM_001406801.1, NM_001406805.1 and 10 more transcripts); c.1007G>C, p.Arg336Thr (NM_001406799.1, NM_001406806.1, NM_001406807.1); c.1454G>C, p.Arg485Thr (NM_001406804.1); c.1364G>C, p.Arg455Thr (NM_001406826.1); and 2 more; short protein forms R543T, R455T, R209T, R336T, R381T, R412T, R485T, R511T.
Identifiers: ClinVar variation 3633933 (VCV003633933.2).

ClinVar aggregate classification (germline): Uncertain significance (1 of 4 stars; one submission).

Conditions:
Hereditary nonpolyposis colorectal neoplasms. Identifiers: MedGen C0009405, MeSH D003123.

Submission:

Labcorp Genetics (formerly Invitae), Labcorp
Classification: Uncertain significance for Hereditary nonpolyposis colorectal neoplasms. Last evaluated: 2025-01-26. Review status: criteria provided, single submitter. Criteria: Invitae Variant Classification Sherloc (09022015). Collection method: clinical testing. Allele origin: germline.
Comment: This sequence change replaces arginine, which is basic and polar, with threonine, which is neutral and polar, at codon 511 of the MSH6 protein (p.Arg511Thr). This variant is not present in population databases (gnomAD no frequency). This variant has not been reported in the literature in individuals affected with MSH6-related conditions. Invitae Evidence Modeling of protein sequence and biophysical properties (such as structural, functional, and spatial information, amino acid conservation, physicochemical variation, residue mobility, and thermodynamic stability) indicates that this missense variant is expected to disrupt MSH6 protein function with a positive predictive value of 95%. In summary, the available evidence is currently insufficient to determine the role of this variant in disease. Therefore, it has been classified as a Variant of Uncertain Significance.